The following is an entry in ClinVar:

ClinVar aggregate classification (germline): Likely benign (0 of 4 stars; one submission).

Conditions:
Chronic progressive multiple sclerosis. Identifiers: MedGen C0393665, MONDO:0005284.

Allele frequency attached by ClinVar (database versions not stated): TOPMed below 0.00001.

Submission:

Demyelinating Disease Laboratories, VA Medical Center and University of Tennessee
Classification: Likely benign. Review status: no assertion criteria provided. Collection method: not provided. Allele origin: somatic.
ClinVar note: Converted during submission from probable-non-pathogenic to Likely benign.

NM_031157.4(HNRNPA1):c.1114T>C (p.Phe372Leu)

Gene: HNRNPA1 (heterogeneous nuclear ribonucleoprotein A1; plus strand). Cytogenetic location: 12q13.13.
Variant type: single nucleotide variant.
Coding change: c.1114T>C on transcript NM_031157.4 (MANE Select); coding-DNA position 1114, T replaced by C.
Protein change: p.Phe372Leu; replaces phenylalanine 372 with leucine.
Molecular consequence: missense variant. On other transcripts: non-coding transcript variant (1).
Genome position (GRCh38, 1-based): chr12:54,284,308, T>C. VCF-style: chr12-54284308-T-C. GRCh37 (hg19) VCF-style: chr12-54678092-T-C.
Other names: c.958T>C, p.Phe320Leu (NM_002136.4); short protein forms F372L, F320L.
Identifiers: ClinVar variation 135615 (VCV000135615.2), dbSNP rs483353043, ClinGen allele CA163104.